The following is an entry in ClinVar:

ClinVar aggregate classification (germline): Pathogenic. Review status: criteria provided, multiple submitters, no conflicts (2 of 4 stars). 3 submissions from 3 submitters: Pathogenic (2). 1 of the submissions does not count toward it. Last evaluated 2021-07-26.

Conditions:
Familial expansile osteolysis (FEO). Also called: POLYOSTOTIC OSTEOLYTIC DYSPLASIA, HEREDITARY EXPANSILE; MCCABE DISEASE. Identifiers: Orphanet 85195, MedGen C0432292, MONDO:0008275, OMIM 174810.
Paget disease of bone 2, early-onset (PDB2). Also called: Paget disease of bone 2. Identifiers: MedGen C4085251, MONDO:0011183, OMIM 602080.

Submissions (3):

Labcorp Genetics (formerly Invitae), Labcorp
Classification: Pathogenic. Last evaluated: 2021-07-26. Review status: criteria provided, single submitter. Criteria: Invitae Variant Classification Sherloc (09022015). Collection method: clinical testing. Allele origin: germline.
Comment: For these reasons, this variant has been classified as Pathogenic. Experimental studies have shown that this variant affects TNFRSF11A function (PMID: 10615125, 21472776). Algorithms developed to predict the effect of variants on protein structure and function are not available or were not evaluated for this variant. ClinVar contains an entry for this variant (Variation ID: 208143). This variant is also known as 83dup18, 84dup18. This variant has been observed in individuals with autosomal dominant familial expansile osteolysis (PMID: 10615125, 12568416, 17447113). It has also been observed to segregate with disease in related individuals. The frequency data for this variant in the population databases is considered unreliable, as metrics indicate insufficient coverage at this position in the ExAC database. This variant, c.45_62dup, results in the insertion of 6 amino acid(s) to the TNFRSF11A protein (p.Leu16_Leu21dup), but otherwise preserves the integrity of the reading frame.

Mayo Clinic Laboratories, Mayo Clinic
Classification: Pathogenic for Familial expansile osteolysis; Paget disease of bone 2, early-onset. Last evaluated: 2016-06-03. Review status: criteria provided, single submitter. Criteria: ACMG Guidelines, 2015. Collection method: clinical testing. Allele origin: paternal.

OMIM
Classification: Pathogenic for FAMILIAL EXPANSILE OSTEOLYSIS. Last evaluated: 2007-01-01. Review status: no assertion criteria provided. Collection method: literature only. Allele origin: germline. Not counted in ClinVar's aggregate classification.

Literature cited by the submitters: PubMed 10615125 (cited by Labcorp Genetics (formerly Invitae), Labcorp); PubMed 21472776 (cited by Labcorp Genetics (formerly Invitae), Labcorp); PubMed 12568416 (cited by Labcorp Genetics (formerly Invitae), Labcorp and OMIM); PubMed 17447113 (cited by Labcorp Genetics (formerly Invitae), Labcorp and OMIM).

NM_003839.4(TNFRSF11A):c.45_62dup (p.Leu16_Leu21dup)

Genes: TNFRSF11A (TNF receptor superfamily member 11a; plus strand), LOC130062628 (ATAC-STARR-seq lymphoblastoid silent region 9505; plus strand). Cytogenetic location: 18q21.33.
Variant type: Duplication.
Coding change: c.45_62dup on transcript NM_003839.4 (MANE Select); coding-DNA positions 45 to 62, 18 bases duplicated (GCTGCTCTGCGCGCTGCT).
Protein change: p.Leu16_Leu21dup.
Molecular consequence: inframe insertion.
Genome position (GRCh38, 1-based): chr18:62,325,397-62,325,414, GCTGCTCTGCGCGCTGCT duplicated; duplicating any 18 consecutive bases within chr18:62,325,388-62,325,414 gives the same sequence; the c. name uses the placement nearest the transcript's 3' end. VCF-style (leftmost placement, unchanged base first): chr18-62325387-T-TCGCGCTGCTGCTGCTCTG. GRCh37 (hg19) VCF-style: chr18-59992620-T-TCGCGCTGCTGCTGCTCTG.
Other names: c.45_62dup, p.Leu16_Leu21dup (NM_001270949.2, NM_001270950.2, NM_001270951.2 and 1 more transcripts).
Identifiers: ClinVar variation 208143 (VCV000208143.12), dbSNP rs886037749, ClinGen allele CA10602392.